The following is an entry in ClinVar:

NM_014363.6(SACS):c.12950C>T (p.Ala4317Val)

Gene: SACS (sacsin molecular chaperone; minus strand). Cytogenetic location: 13q12.12.
Variant type: single nucleotide variant.
Coding change: c.12950C>T on transcript NM_014363.6 (MANE Select); coding-DNA position 12950, C replaced by T.
Protein change: p.Ala4317Val; replaces alanine 4317 with valine.
Molecular consequence: missense variant.
Genome position (GRCh38, 1-based): chr13:23,330,926, G>A on the plus strand (C>T on the coding strand, the complement: SACS is on the minus strand). VCF-style: chr13-23330926-G-A. GRCh37 (hg19) VCF-style: chr13-23905065-G-A.
Other names: p.Ala4317Val; c.12509C>T, p.Ala4170Val (NM_001278055.2); short protein forms A4170V, A4317V.
Identifiers: ClinVar variation 3380135 (VCV003380135.1).

ClinVar aggregate classification (germline): Uncertain significance (1 of 4 stars; one submission).

gnomAD v4.1: 5 of 1,614,084 alleles (0.00031%); highest among the groups gnomAD compares: Non-Finnish European, 0.00042%; no homozygotes.

Submission:

Mayo Clinic Laboratories, Mayo Clinic
Classification: Uncertain significance. Last evaluated: 2024-08-09. Review status: criteria provided, single submitter. Criteria: ACMG Guidelines, 2015. Collection method: clinical testing. Allele origin: germline. Observed: 1 variant allele.
Comment: PM2